The following is an entry in ClinVar:

ClinVar aggregate classification (germline): Uncertain significance. Review status: criteria provided, multiple submitters, no conflicts (2 of 4 stars). 2 submissions from 2 submitters: Uncertain significance (2). Last evaluated 2025-11-22.

Conditions:
Neuropathy, hereditary sensory, type 1F. Also called: HSN IF; Hereditary sensory neuropathy type IF. Identifiers: Orphanet 36386, MedGen C3810194, MONDO:0014286, OMIM 615632.

Allele frequency attached by ClinVar (database versions not stated): gnomAD 0.00001; TOPMed 0.00001.
gnomAD v4.1: 2 of 1,611,824 alleles (0.00012%); highest among the groups gnomAD compares: Non-Finnish European, 0.00017%; no homozygotes.

Submissions (2):

Labcorp Genetics (formerly Invitae), Labcorp
Classification: Uncertain significance for Neuropathy, hereditary sensory, type 1F. Last evaluated: 2025-11-22. Review status: criteria provided, single submitter. Criteria: Invitae Variant Classification Sherloc (09022015). Collection method: clinical testing. Allele origin: germline.
Comment: This sequence change replaces aspartic acid, which is acidic and polar, with glutamic acid, which is acidic and polar, at codon 148 of the ATL3 protein (p.Asp148Glu). This variant is not present in population databases (gnomAD no frequency). This variant has not been reported in the literature in individuals affected with ATL3-related conditions. ClinVar contains an entry for this variant (Variation ID: 2576697). Invitae Evidence Modeling of protein sequence and biophysical properties (such as structural, functional, and spatial information, amino acid conservation, physicochemical variation, residue mobility, and thermodynamic stability) indicates that this missense variant is expected to disrupt ATL3 protein function with a positive predictive value of 80%. In summary, the available evidence is currently insufficient to determine the role of this variant in disease. Therefore, it has been classified as a Variant of Uncertain Significance.

GeneDx
Classification: Uncertain significance. Last evaluated: 2023-02-15. Review status: criteria provided, single submitter. Criteria: GeneDx Variant Classification Process June 2021. Collection method: clinical testing. Allele origin: germline. Affected: yes.
Comment: Not observed at significant frequency in large population cohorts (gnomAD); In silico analysis supports that this missense variant has a deleterious effect on protein structure/function; Has not been previously published as pathogenic or benign to our knowledge

NM_015459.5(ATL3):c.444C>A (p.Asp148Glu)

Genes: ATL3 (atlastin GTPase 3; minus strand), LNCROPM (lncRNA regulator of PLAAT3 mediated phospholipid metabolism; plus strand). Cytogenetic location: 11q13.1.
Variant type: single nucleotide variant.
Coding change: c.444C>A on transcript NM_015459.5 (MANE Select); coding-DNA position 444, C replaced by A.
Protein change: p.Asp148Glu; replaces aspartic acid 148 with glutamic acid.
Molecular consequence: missense variant.
Genome position (GRCh38, 1-based): chr11:63,652,537, G>T on the plus strand (C>A on the coding strand, the complement: ATL3 is on the minus strand). VCF-style: chr11-63652537-G-T. GRCh37 (hg19) VCF-style: chr11-63420009-G-T.
Other names: c.390C>A, p.Asp130Glu (NM_001290048.2); short protein forms D130E, D148E.
Identifiers: ClinVar variation 2576697 (VCV002576697.2), dbSNP rs1423598917, ClinGen allele CA381027753.